The following is an entry in ClinVar:

ClinVar aggregate classification (germline): Uncertain significance (1 of 4 stars; one submission).

Conditions:
Hypoproteinemia, hypercatabolic (IMD43). Also called: IMMUNODEFICIENCY 43; BETA-2-MICROGLOBULIN DEFICIENCY; B2M DEFICIENCY; MHC CLASS I DEFICIENCY 4. Identifiers: MedGen C1855796, MONDO:0009434, OMIM 241600.

Allele frequency attached by ClinVar (database versions not stated): gnomAD exomes below 0.00001; gnomAD 0.00001; ESP Exome Variant Server 0.00008; ExAC 0.00001; TOPMed 0.00002.

Submission:

Labcorp Genetics (formerly Invitae), Labcorp
Classification: Uncertain significance for Hypoproteinemia, hypercatabolic. Last evaluated: 2017-12-27. Review status: criteria provided, single submitter. Criteria: Invitae Variant Classification Sherloc (09022015). Collection method: clinical testing. Allele origin: germline.
Comment: This sequence change replaces serine with phenylalanine at codon 2 of the B2M protein (p.Ser2Phe). The serine residue is weakly conserved and there is a large physicochemical difference between serine and phenylalanine. In summary, the available evidence is currently insufficient to determine the role of this variant in disease. Therefore, it has been classified as a Variant of Uncertain Significance. Algorithms developed to predict the effect of missense changes on protein structure and function do not agree on the potential impact of this missense change (SIFT: "Deleterious"; PolyPhen-2: "Benign"; Align-GVGD: "Class C0"). This variant has not been reported in the literature in individuals with B2M-related disease. This variant is present in population databases (rs368160918, ExAC 0.01%).

NM_004048.4(B2M):c.5C>T (p.Ser2Phe)

Gene: B2M (beta-2-microglobulin; plus strand). Cytogenetic location: 15q21.1.
Variant type: single nucleotide variant.
Coding change: c.5C>T on transcript NM_004048.4 (MANE Select); coding-DNA position 5, C replaced by T.
Protein change: p.Ser2Phe; replaces serine 2 with phenylalanine.
Molecular consequence: missense variant.
Genome position (GRCh38, 1-based): chr15:44,711,551, C>T. VCF-style: chr15-44711551-C-T. GRCh37 (hg19) VCF-style: chr15-45003749-C-T.
Other names: short protein forms S2F.
Identifiers: ClinVar variation 534623 (VCV000534623.8), dbSNP rs368160918, ClinGen allele CA7536256.
Genomic context (GRCh38, chr15:44,711,551, plus strand): 5'-TAAGTGGAGGCGTCGCGCTGGCGGGCATTCCTGAAGCTGACAGCATTCGGGCCGAGATGT[C>T]TCGCTCCGTGGCCTTAGCTGTGCTCGCGCTACTCTCTCTTTCTGGCCTGGAGGCTATCCA-3'
Protein context (NP_004039.1, residues 1-12): M[Ser2Phe]RSVALAVLAL